The following is an entry in ClinVar:

ClinVar aggregate classification (germline): Uncertain significance (1 of 4 stars; one submission).

Conditions:
Muscular dystrophy-dystroglycanopathy (congenital with impaired intellectual development), type B, 14. Also called: Congenital muscular dystrophy-dystroglycanopathy with mental retardation, type B14; Muscular dystrophy-dystroglycanopathy (congenital with intellectual disability), type B14; MUSCULAR DYSTROPHY, CONGENITAL, GMPPB-RELATED. Identifiers: MedGen C3809221, MONDO:0014141, OMIM 615351.
Autosomal recessive limb-girdle muscular dystrophy type 2T. Also called: MUSCULAR DYSTROPHY-DYSTROGLYCANOPATHY, LIMB-GIRDLE, GMPPB-RELATED; MUSCULAR DYSTROPHY, LIMB-GIRDLE, TYPE 2T; Muscular dystrophy-dystroglycanopathy (limb-girdle), type c, 14; Limb-girdle muscular dystrophy-dystroglycanopathy, type C14. Identifiers: Orphanet 363623, MedGen C4518000, MONDO:0014142, OMIM 615352.
Muscular dystrophy-dystroglycanopathy (congenital with brain and eye anomalies), type A14. Also called: Congenital muscular dystrophy-dystroglycanopathy with brain and eye anomalies, type A14; WALKER-WARBURG SYNDROME OR MUSCLE-EYE-BRAIN DISEASE, GMPPB-RELATED; Muscular dystrophy-dystroglycanopathy (congenital with brain and eye anomalies), type a, 14; Congenital Muscular Dystrophy-Dystroglycanopathy with Brain and Eye Anomalies Type A 14. Identifiers: Orphanet 588, MedGen C3809216, MONDO:0014140, OMIM 615350.

Allele frequency attached by ClinVar (database versions not stated): gnomAD exomes below 0.00001.
gnomAD v4.1: 1 of 1,582,110 alleles (0.000063%); highest among the groups gnomAD compares: South Asian, 0.0012%; no homozygotes.

Submission:

Labcorp Genetics (formerly Invitae), Labcorp
Classification: Uncertain significance for Autosomal recessive limb-girdle muscular dystrophy type 2T; Muscular dystrophy-dystroglycanopathy (congenital with brain and eye anomalies), type A14; Muscular dystrophy-dystroglycanopathy (congenital with impaired intellectual development), type B, 14. Last evaluated: 2022-04-07. Review status: criteria provided, single submitter. Criteria: Invitae Variant Classification Sherloc (09022015). Collection method: clinical testing. Allele origin: germline.
Comment: Advanced modeling of protein sequence and biophysical properties (such as structural, functional, and spatial information, amino acid conservation, physicochemical variation, residue mobility, and thermodynamic stability) performed at Invitae indicates that this missense variant is expected to disrupt GMPPB protein function. This variant has not been reported in the literature in individuals affected with GMPPB-related conditions. This variant is not present in population databases (gnomAD no frequency). This sequence change replaces proline, which is neutral and non-polar, with leucine, which is neutral and non-polar, at codon 24 of the GMPPB protein (p.Pro24Leu). In summary, the available evidence is currently insufficient to determine the role of this variant in disease. Therefore, it has been classified as a Variant of Uncertain Significance.

NM_021971.4(GMPPB):c.71C>T (p.Pro24Leu)

Gene: GMPPB (GDP-mannose pyrophosphorylase B; minus strand). Cytogenetic location: 3p21.31.
Variant type: single nucleotide variant.
Coding change: c.71C>T on transcript NM_021971.4 (MANE Select); coding-DNA position 71, C replaced by T.
Protein change: p.Pro24Leu; replaces proline 24 with leucine.
Molecular consequence: missense variant.
Genome position (GRCh38, 1-based): chr3:49,723,656, G>A on the plus strand (C>T on the coding strand, the complement: GMPPB is on the minus strand). VCF-style: chr3-49723656-G-A. GRCh37 (hg19) VCF-style: chr3-49761089-G-A.
Other names: c.71C>T, p.Pro24Leu (NM_013334.4); short protein forms P24L.
Identifiers: ClinVar variation 1498801 (VCV001498801.8), dbSNP rs2108213481, ClinGen allele CA352831663.